The following is an entry in ClinVar:

ClinVar aggregate classification (germline): Uncertain significance (1 of 4 stars; one submission).

Conditions:
Charcot-Marie-Tooth disease type 2R. Also called: Charcot-Marie-Tooth disease, axonal, type 2R; CHARCOT-MARIE-TOOTH DISEASE, AXONAL, AUTOSOMAL RECESSIVE, TYPE 2R; CHARCOT-MARIE-TOOTH NEUROPATHY, TYPE 2R. Identifiers: Orphanet 397968, MedGen C3809655, MONDO:0014208, OMIM 615490.

Allele frequency attached by ClinVar (database versions not stated): TOPMed below 0.00001.

Submission:

Labcorp Genetics (formerly Invitae), Labcorp
Classification: Uncertain significance for Charcot-Marie-Tooth disease, axonal, type 2R. Last evaluated: 2018-12-24. Review status: criteria provided, single submitter. Criteria: Invitae Variant Classification Sherloc (09022015). Collection method: clinical testing. Allele origin: germline.
Comment: This sequence change replaces glutamine with arginine at codon 160 of the TRIM2 protein (p.Gln160Arg). The glutamine residue is highly conserved and there is a small physicochemical difference between glutamine and arginine. This variant is not present in population databases (ExAC no frequency). This variant has not been reported in the literature in individuals with TRIM2-related conditions. Algorithms developed to predict the effect of missense changes on protein structure and function are either unavailable or do not agree on the potential impact of this missense change (SIFT: "Deleterious"; PolyPhen-2: "Benign"; Align-GVGD: "Class C35"). In summary, the available evidence is currently insufficient to determine the role of this variant in disease. Therefore, it has been classified as a Variant of Uncertain Significance.

NM_015271.5(TRIM2):c.560A>G (p.Gln187Arg)

Gene: TRIM2 (tripartite motif containing 2; plus strand). Cytogenetic location: 4q31.3.
Variant type: single nucleotide variant.
Coding change: c.560A>G on transcript NM_015271.5 (MANE Select); coding-DNA position 560, A replaced by G.
Protein change: p.Gln187Arg; replaces glutamine 187 with arginine.
Molecular consequence: missense variant.
Genome position (GRCh38, 1-based): chr4:153,293,088, A>G. VCF-style: chr4-153293088-A-G. GRCh37 (hg19) VCF-style: chr4-154214240-A-G.
Other names: c.479A>G, p.Gln160Arg (NM_001130067.2, NM_001351056.2); c.533A>G, p.Gln178Arg (NM_001351054.2); c.530A>G, p.Gln177Arg (NM_001351055.2); c.104A>G, p.Gln35Arg (NM_001351057.2); short protein forms Q187R, Q177R, Q35R, Q160R, Q178R.
Identifiers: ClinVar variation 640691 (VCV000640691.1), dbSNP rs1579408472, ClinGen allele CA358471389.
Genomic context (GRCh38, chr4:153,293,088, plus strand): 5'-AGTGCACGGAGGGGGAGCACGCAGAGCACCCCACAGTTCCACTCAAGGATGTGGTGGAAC[A>G]GCACAAGGCCTCGCTCCAGGTCCAGCTGGATGCTGTCAACAAAAGGTGGGGGACCCCTCC-3'
Protein context (NP_056086.2, residues 177-197): PTVPLKDVVE[Gln187Arg]HKASLQVQLD